The following is an entry in ClinVar:

ClinVar aggregate classification (germline): Pathogenic/Likely pathogenic. Review status: criteria provided, multiple submitters, no conflicts (2 of 4 stars). 6 submissions from 6 submitters: Pathogenic (3); Likely pathogenic (3). Last evaluated 2026-08-24.

Conditions:
GJB2-related disorder. Also called: GJB2-related condition; GJB2-related disorders. Identifiers: MedGen CN382183, MONDO:1060236.
Nonsyndromic genetic hearing loss. Also called: Non-syndromic genetic deafness; Nonsyndromic genetic deafness; Nonsyndromic hearing loss and deafness. Identifiers: Orphanet 87884, MedGen C5680182, MONDO:0019497.
Autosomal recessive nonsyndromic hearing loss 1A (DFNB1A). Also called: Deafness, autosomal recessive 1A; Nonsyndromic Hearing Loss and Deafness, DFNB1; GJB6-Related DFNB 1 Nonsyndromic Hearing Loss and Deafness; Connexin 26 deafness; Deafness nonsyndromic, Connexin 26 linked; GJB2-Related Autosomal Recessive Nonsyndromic Hearing Loss. Identifiers: Orphanet 90636, MedGen C2673759, MONDO:0009076, OMIM 220290.

Allele frequency attached by ClinVar (database versions not stated): gnomAD exomes below 0.00001 and 0.00002; ExAC 0.00002.

Submissions (6):

Myriad Genetics, Inc.
Classification: Pathogenic for Nonsyndromic genetic hearing loss. Last evaluated: 2026-08-24. Review status: criteria provided, single submitter. Criteria: Myriad Autosomal Dominant, Autosomal Recessive and X-Linked Classification Criteria (2023). Collection method: clinical testing. Allele origin: unknown.
Comment: NM_004004.5(GJB2):c.298delC(H100Mfs*12) is a frameshift variant classified as pathogenic in the context of nonsyndromic hearing loss, GJB2-related. H100Mfs*12 has not been observed in cases with relevant disease. Relevant functional assessments of this variant are not available in the literature. H100Mfs*12 has been observed in referenced population frequency databases. In summary, NM_004004.5(GJB2):c.298delC(H100Mfs*12) is a frameshift variant in a gene where loss of function is a known mechanism of disease and is predicted to disrupt protein function. Please note: this variant was assessed in the context of healthy population screening.

GeneDx
Classification: Pathogenic. Last evaluated: 2026-08-06. Review status: criteria provided, single submitter. Criteria: GeneDx Variant Classification Process June 2021. Collection method: clinical testing. Allele origin: germline.
Comment: Frameshift variant predicted to result in abnormal protein length as the last 127 amino acid(s) are replaced with 11 different amino acid(s), and other similar variants have been reported in HGMD; Has not been previously published as pathogenic or benign to our knowledge

PreventionGenetics, part of Exact Sciences
Classification: Likely pathogenic for GJB2-related condition. Last evaluated: 2025-12-18. Review status: criteria provided, single submitter. Criteria: ACMG Guidelines, 2015. Collection method: clinical testing. Allele origin: germline.
Comment: The GJB2 c.298delC variant is predicted to result in a frameshift and premature protein termination (p.His100Metfs*12). To our knowledge, this variant has not been reported in the literature. This variant is reported in 0.012% of alleles in individuals of Latino descent in gnomAD. Frameshift variants in GJB2 are expected to be pathogenic. This variant is interpreted as likely pathogenic.

Natera, Inc.
Classification: Likely pathogenic for Autosomal recessive deafness type 1A. Last evaluated: 2024-10-13. Review status: criteria provided, single submitter. Criteria: Natera Variant Classification Schema (03/2026). Collection method: clinical testing. Allele origin: germline.
Comment: The c.298delC variant in GJB2 is a frameshift variant predicted to shift the reading frame beginning at codon 100 and leads to a stop codon 12 codons downstream. This variant is expected to result in nonsense mediated decay, truncation, or a dysfunctional protein product. This variant is rare in the general population with a frequency below the threshold expected for the associated phenotype(s). Given the available evidence, this variant is classified as Likely Pathogenic.

Labcorp Genetics (formerly Invitae), Labcorp
Classification: Pathogenic. Last evaluated: 2023-11-29. Review status: criteria provided, single submitter. Criteria: Invitae Variant Classification Sherloc (09022015). Collection method: clinical testing. Allele origin: germline.
Comment: This sequence change creates a premature translational stop signal (p.His100Metfs*12) in the GJB2 gene. While this is not anticipated to result in nonsense mediated decay, it is expected to disrupt the last 127 amino acid(s) of the GJB2 protein. This variant is present in population databases (rs775828835, gnomAD 0.01%). This variant has not been reported in the literature in individuals affected with GJB2-related conditions. ClinVar contains an entry for this variant (Variation ID: 496218). This variant disrupts a region of the GJB2 protein in which other variant(s) (p.Cys211Leufs*5) have been determined to be pathogenic (PMID: 9529365, 12910486, 20863150). This suggests that this is a clinically significant region of the protein, and that variants that disrupt it are likely to be disease-causing. For these reasons, this variant has been classified as Pathogenic.

Women's Health and Genetics/Laboratory Corporation of America, LabCorp
Classification: Likely pathogenic for Autosomal recessive nonsyndromic hearing loss 1A. Last evaluated: 2016-06-07. Review status: criteria provided, single submitter. Criteria: LabCorp Variant Classification Summary - May 2015. Collection method: clinical testing. Allele origin: germline.
Comment: Variant summary: The GJB2 c.298delC (p.His100Metfs) variant results in a premature termination codon, predicted to cause a truncated or absent GJB2 protein due to nonsense mediated decay, which are commonly known mechanisms for disease. Truncations downstream of this position have been classified as pathogenic by our laboratory (e.g.p.K112fs). One in silico tool predicts a damaging outcome for this variant. This variant was found in 2/121268 control chromosomes at a frequency of 0.0000165, which does not exceed the estimated maximal expected allele frequency of a pathogenic GJB2 variant (0.025). The variant of interest has not, to our knowledge, been reported in affected individuals via publications and/or clinical diagnostic laboratories; nor evaluated for functional impact by in vivo/vitro studies. Deafness variation database lists variant with classification of pathogenic. Taken together, this variant is classified as likely pathogenic until more evidence becomes available.

Literature cited by the submitters: PubMed 9529365 (cited by Labcorp Genetics (formerly Invitae), Labcorp); PubMed 12910486 (cited by Labcorp Genetics (formerly Invitae), Labcorp); PubMed 20863150 (cited by Labcorp Genetics (formerly Invitae), Labcorp).

NM_004004.6(GJB2):c.298del (p.His100fs)

Gene: GJB2 (gap junction protein beta 2; minus strand). Cytogenetic location: 13q12.11.
Variant type: Deletion.
Coding change: c.298del on transcript NM_004004.6 (MANE Select); coding-DNA position 298, one base deleted (C; older notation c.298delC).
Protein change: p.His100fs; shifts the reading frame from histidine 100.
Molecular consequence: frameshift variant.
Genome position (GRCh38, 1-based): chr13:20,189,284, G deleted on the plus strand (C on the coding strand, the reverse complement: GJB2 is on the minus strand). VCF-style (leftmost placement, unchanged base first): chr13-20189283-TG-T. GRCh37 (hg19) VCF-style: chr13-20763422-TG-T.
Other names: c.298delC (NM_004004.5); short protein forms H100fs.
Identifiers: ClinVar variation 496218 (VCV000496218.16), dbSNP rs775828835, ClinGen allele CA6904286.
Genomic context (GRCh38, chr13:20,189,283, plus strand): 5'-TCCTCGATGTCCTTAAATTCACTCTTTATCTCCCCCTTGATGAACTTCCTCTTCTTCTCA[TG>T]TCTCCGGTAGGCCACGTGCATGGCCACTAGGAGCGCTGGCGTGGACACGAAGATCAGCTG-3'